The following is an entry in ClinVar:

ClinVar aggregate classification (germline): Pathogenic. Review status: criteria provided, multiple submitters, no conflicts (2 of 4 stars). 2 submissions from 2 submitters: Pathogenic (2). Last evaluated 2026-06-09.

Conditions:
Hereditary cancer-predisposing syndrome. Also called: Hereditary neoplastic syndrome; Neoplastic Syndromes, Hereditary; Tumor predisposition; Hereditary Cancer Syndrome. Identifiers: Orphanet 140162, MedGen C0027672, MeSH D009386, MONDO:0015356.
Familial cancer of breast. Also called: Hereditary breast cancer; hereditary breast carcinoma; BREAST CANCER, FAMILIAL. Identifiers: Orphanet 227535, MedGen C0346153, MONDO:0016419, OMIM 114480. Disease mechanism: loss of function.

Submissions (2):

Myriad Genetics, Inc.
Classification: Pathogenic for Familial cancer of breast. Last evaluated: 2026-06-09. Review status: criteria provided, single submitter. Criteria: Myriad Autosomal Dominant, Autosomal Recessive and X-Linked Classification Criteria (2023). Collection method: clinical testing. Allele origin: unknown.
Comment: This variant is considered pathogenic. This variant creates a frameshift predicted to result in premature protein truncation.

Ambry Genetics
Classification: Pathogenic for Hereditary cancer-predisposing syndrome. Last evaluated: 2022-01-21. Review status: criteria provided, single submitter. Criteria: Ambry Variant Classification Scheme 2023. Collection method: clinical testing. Allele origin: germline.
Comment: The c.6757_6758insT pathogenic mutation, located in coding exon 45 of the ATM gene, results from an insertion of one nucleotide at position 6757, causing a translational frameshift with a predicted alternate stop codon (p.K2253Ifs*20). This variant is considered to be rare based on population cohorts in the Genome Aggregation Database (gnomAD). This alteration is expected to result in loss of function by premature protein truncation or nonsense-mediated mRNA decay. As such, this alteration is interpreted as a disease-causing mutation.

NM_000051.4(ATM):c.6757_6758insT (p.Lys2253fs)

Genes: ATM (ATM serine/threonine kinase; plus strand), C11orf65 (chromosome 11 open reading frame 65; minus strand). Cytogenetic location: 11q22.3.
Variant type: Insertion.
Coding change: c.6757_6758insT on transcript NM_000051.4 (MANE Select); coding-DNA positions 6757 to 6758, T inserted.
Protein change: p.Lys2253fs; shifts the reading frame from lysine 2253.
Molecular consequence: frameshift variant. On other transcripts: intron variant (2).
Genome position: GRCh38 VCF-style: chr11-108325494-A-AT. GRCh37 (hg19) VCF-style: chr11-108196221-A-AT.
Other names: c.641-16424_641-16423insA (NM_001330368.2); c.*38+9725_*38+9726insA (NM_001351110.2); c.6757_6758insT, p.Lys2253fs (NM_001351834.2); short protein forms K2253fs.
Identifiers: ClinVar variation 1755258 (VCV001755258.3), dbSNP rs2547206071, ClinGen allele CA2580083071.